The following is an entry in ClinVar:

NM_001267550.2(TTN):c.58000G>A (p.Val19334Ile)

Genes: TTN (titin; minus strand), TTN-AS1 (TTN antisense RNA 1; plus strand). Cytogenetic location: 2q31.2.
Variant type: single nucleotide variant.
Coding change: c.58000G>A on transcript NM_001267550.2 (MANE Select); coding-DNA position 58000, G replaced by A.
Protein change: p.Val19334Ile; replaces valine 19334 with isoleucine.
Molecular consequence: missense variant.
Genome position (GRCh38, 1-based): chr2:178,594,494, C>T on the plus strand (G>A on the coding strand, the complement: TTN is on the minus strand). VCF-style: chr2-178594494-C-T. GRCh37 (hg19) VCF-style: chr2-179459221-C-T.
Other names: c.53077G>A, p.Val17693Ile (NM_001256850.1); c.30805G>A, p.Val10269Ile (NM_003319.4); c.50296G>A, p.Val16766Ile (NM_133378.4); c.31180G>A, p.Val10394Ile (NM_133432.3); c.31381G>A, p.Val10461Ile (NM_133437.4); short protein forms V10269I, V10394I, V10461I, V16766I, V17693I, V19334I.
Identifiers: ClinVar variation 4682259 (VCV004682259.1).
Genomic context (GRCh38, chr2:178,594,494, plus strand): 5'-TATCACCTTCTTTTAAGCCTTTAACAGTGTATTTTCTGCTAAGCAAGTTGTCATTTGTAA[C>T]TTTGTGGAACTTCTCAGTCCCAATGAGCCGACTTTCTAGGACATAGTTAATAATTTCTGA-3'
Protein context (NP_001254479.2, residues 19324-19344): RLIGTEKFHK[Val19334Ile]TNDNLLSRKY

ClinVar aggregate classification (germline): Uncertain significance (1 of 4 stars; one submission).

gnomAD v4.1: 4 of 1,613,276 alleles (0.00025%); highest among the groups gnomAD compares: African/African-American, 0.0027%; 1 homozygote.

Submission:

Athena Diagnostics
Classification: Uncertain significance. Last evaluated: 2025-02-25. Review status: criteria provided, single submitter. Criteria: Athena Diagnostics Criteria. Collection method: clinical testing. Allele origin: unknown.
Comment: Available data are insufficient to determine the clinical significance of the variant at this time. The frequency of this variant in the general population is uninformative in assessment of its pathogenicity. Polyphen and MutationTaster predict this amino acid change may be benign.